The following is an entry in ClinVar:

NM_152222.2(RELT):c.260A>T (p.Asp87Val)

Gene: RELT (RELT TNF receptor; plus strand). Cytogenetic location: 11q13.4.
Variant type: single nucleotide variant.
Coding change: c.260A>T on transcript NM_152222.2 (MANE Select); coding-DNA position 260, A replaced by T.
Protein change: p.Asp87Val; replaces aspartic acid 87 with valine.
Molecular consequence: missense variant.
Genome position (GRCh38, 1-based): chr11:73,390,894, A>T. VCF-style: chr11-73390894-A-T. GRCh37 (hg19) VCF-style: chr11-73101939-A-T.
Other names: c.260A>T, p.Asp87Val (NM_032871.4); short protein forms D87V.
Identifiers: ClinVar variation 2573131 (VCV002573131.1), dbSNP rs771045558, ClinGen allele CA6178496.

ClinVar aggregate classification (germline): Likely pathogenic (1 of 4 stars; one submission).

Conditions:
Amelogenesis imperfecta (AI). Also called: Congenital enamel hypoplasia. Identifiers: Orphanet 88661, MedGen C0002452, MONDO:0019507, HP:0000705.

Allele frequency attached by ClinVar (database versions not stated): ExAC 0.00001.

Submission:

Department Of Pediatric Dentistry, Peking University School And Hospital Of Stomatology
Classification: Likely pathogenic for Amelogenesis imperfecta. Last evaluated: 2023-05-20. Review status: criteria provided, single submitter. Criteria: ACMG Guidelines, 2015. Collection method: clinical testing. Allele origin: germline. Inheritance: Autosomal recessive inheritance. Affected: yes. Observed: 1 compound heterozygote.
Comment: Homozygous mutations in RELT have been reported to cause autosomal recessive AI. Multiple missense mutations have been reported to be associated with AI. The variant cosegregation with the disease in this family. The RELT variant (c.260A>T) is documented in the dbSNP database (rs771045558) with a minor allele frequency (MAF) count of 1/120740. This missense variant was predicted to be damaging, diseasing causing in SIFT (0.0, Deleterious), Polyphen2_HDIV (1.0, Probably damaging), MutationTaster (1, Disease-causing) and CADD (score: 24.6). These nucleotide change in RELT were absent in 144 ethnically matched normal controls. Amino-acid alignment analysis revealed that the affected residues were highly conserved among different species.

Literature cited by the submitters: PubMed 30506946; PubMed 32052416.